The following is an entry in ClinVar:

ClinVar aggregate classification (germline): Pathogenic/Likely pathogenic. Review status: criteria provided, multiple submitters, no conflicts (2 of 4 stars). 2 submissions from 2 submitters: Pathogenic (1); Likely pathogenic (1). Last evaluated 2022-04-29.

Conditions:
Orofaciodigital syndrome type 6 (OFD6). Also called: OROFACIODIGITAL SYNDROME VI; OFDS VI; POLYDACTYLY, CLEFT LIP/PALATE OR LINGUAL LUMP, AND PSYCHOMOTOR RETARDATION; VARADI SYNDROME; VARADI-PAPP SYNDROME; Oral-facial-digital syndrome type 6. Identifiers: Orphanet 2754, MedGen C2745997, MONDO:0010176, OMIM 277170.
Joubert syndrome 17 (JBTS17). Identifiers: Orphanet 475, MedGen C3553264, MONDO:0013824, OMIM 614615.

Submissions (2):

Fulgent Genetics
Classification: Likely pathogenic for Orofaciodigital syndrome type 6; Joubert syndrome 17. Last evaluated: 2022-04-29. Review status: criteria provided, single submitter. Criteria: ACMG Guidelines, 2015. Collection method: clinical testing. Allele origin: unknown.

Labcorp Genetics (formerly Invitae), Labcorp
Classification: Pathogenic. Last evaluated: 2017-11-22. Review status: criteria provided, single submitter. Criteria: Invitae Variant Classification Sherloc (09022015). Collection method: clinical testing. Allele origin: germline.
Comment: For these reasons, this variant has been classified as Pathogenic. Loss-of-function variants in C5orf42 are known to be pathogenic (PMID: 22425360). This variant has not been reported in the literature in individuals with C5orf42-related disease. This variant is not present in population databases (ExAC no frequency). This sequence change creates a premature translational stop signal (p.Ser1136Leufs*12) in the C5orf42 gene. It is expected to result in an absent or disrupted protein product.

Literature cited by the submitters: PubMed 22425360 (cited by Labcorp Genetics (formerly Invitae), Labcorp).

NM_001384732.1(CPLANE1):c.3407del (p.Ser1136fs)

Gene: CPLANE1 (ciliogenesis and planar polarity effector complex subunit 1; minus strand). Cytogenetic location: 5p13.2.
Variant type: Deletion.
Coding change: c.3407del on transcript NM_001384732.1 (MANE Select); coding-DNA position 3407, one base deleted (C; older notation c.3407delC).
Protein change: p.Ser1136fs; shifts the reading frame from serine 1136.
Molecular consequence: frameshift variant.
Genome position (GRCh38, 1-based): chr5:37,201,691, G deleted on the plus strand (C on the coding strand, the reverse complement: CPLANE1 is on the minus strand). VCF-style (leftmost placement, unchanged base first): chr5-37201690-AG-A. GRCh37 (hg19) VCF-style: chr5-37201792-AG-A.
Other names: c.3407del, p.Ser1136fs (NM_023073.4); c.3407delC (NM_023073.3); short protein forms S1136fs.
Identifiers: ClinVar variation 569087 (VCV000569087.8), dbSNP rs1561584225, ClinGen allele CA891843373.